The following is an entry in ClinVar:

NM_025207.5(FLAD1):c.1436C>T (p.Pro479Leu)

Gene: FLAD1 (flavin adenine dinucleotide synthetase 1; plus strand). Cytogenetic location: 1q21.3.
Variant type: single nucleotide variant.
Coding change: c.1436C>T on transcript NM_025207.5 (MANE Select); coding-DNA position 1436, C replaced by T.
Protein change: p.Pro479Leu; replaces proline 479 with leucine.
Molecular consequence: missense variant.
Genome position (GRCh38, 1-based): chr1:154,990,410, C>T. VCF-style: chr1-154990410-C-T. GRCh37 (hg19) VCF-style: chr1-154962886-C-T.
Other names: c.1145C>T, p.Pro382Leu (NM_001184891.2, NM_201398.3); short protein forms P382L, P479L.
Identifiers: ClinVar variation 1931840 (VCV001931840.5), dbSNP rs149233461, ClinGen allele CA1134569.

ClinVar aggregate classification (germline): Uncertain significance (1 of 4 stars; one submission).

Allele frequency attached by ClinVar (database versions not stated): gnomAD 0.00002; gnomAD exomes 0.00003; TOPMed 0.00003; ExAC 0.00007; ESP Exome Variant Server 0.00008; 1000 Genomes Project 30x 0.00016; 1000 Genomes Project 0.00020.
gnomAD v4.1: 39 of 1,614,170 alleles (0.0024%); highest among the groups gnomAD compares: Non-Finnish European, 0.0033%; no homozygotes.

Submission:

Labcorp Genetics (formerly Invitae), Labcorp
Classification: Uncertain significance. Last evaluated: 2022-08-23. Review status: criteria provided, single submitter. Criteria: Invitae Variant Classification Sherloc (09022015). Collection method: clinical testing. Allele origin: germline.
Comment: This sequence change replaces proline, which is neutral and non-polar, with leucine, which is neutral and non-polar, at codon 479 of the FLAD1 protein (p.Pro479Leu). This variant is present in population databases (rs149233461, gnomAD 0.009%). This variant has not been reported in the literature in individuals affected with FLAD1-related conditions. Algorithms developed to predict the effect of missense changes on protein structure and function are either unavailable or do not agree on the potential impact of this missense change (SIFT: "Deleterious"; PolyPhen-2: "Probably Damaging"; Align-GVGD: "Class C0"). In summary, the available evidence is currently insufficient to determine the role of this variant in disease. Therefore, it has been classified as a Variant of Uncertain Significance.